The following is an entry in ClinVar:

NM_002857.4(PEX19):c.444G>T (p.Met148Ile)

Gene: PEX19 (peroxisomal biogenesis factor 19; minus strand). Cytogenetic location: 1q23.2.
Variant type: single nucleotide variant.
Coding change: c.444G>T on transcript NM_002857.4 (MANE Select); coding-DNA position 444, G replaced by T.
Protein change: p.Met148Ile; replaces methionine 148 with isoleucine.
Molecular consequence: missense variant. On other transcripts: non-coding transcript variant (2).
Genome position (GRCh38, 1-based): chr1:160,282,189, C>A on the plus strand (G>T on the coding strand, the complement: PEX19 is on the minus strand). VCF-style: chr1-160282189-C-A. GRCh37 (hg19) VCF-style: chr1-160251979-C-A.
Other names: c.444G>T, p.Met148Ile (NM_001193644.1); short protein forms M148I.
Identifiers: ClinVar variation 3896540 (VCV003896540.2).

ClinVar aggregate classification (germline): Uncertain significance (1 of 4 stars; one submission).

Submission:

Women's Health and Genetics/Laboratory Corporation of America, LabCorp
Classification: Uncertain significance. Last evaluated: 2025-04-02. Review status: criteria provided, single submitter. Criteria: LabCorp Variant Classification Summary - May 2015. Collection method: clinical testing. Allele origin: germline.
Comment: Variant summary: PEX19 c.444G>T (p.Met148Ile) results in a conservative amino acid change in the encoded protein sequence. Four of five in-silico tools predict a benign effect of the variant on protein function. The variant was absent in 251440 control chromosomes. The available data on variant occurrences in the general population are insufficient to allow any conclusion about variant significance. To our knowledge, no occurrence of c.444G>T in individuals affected with Peroxisome Biogenesis Disorders, Zellweger Syndrome Spectrum and no experimental evidence demonstrating its impact on protein function have been reported. No submitters have cited clinical-significance assessments for this variant to ClinVar. Based on the evidence outlined above, the variant was classified as uncertain significance.